The following is an entry in ClinVar:

NM_004612.4(TGFBR1):c.878dup (p.Asn293fs)

Gene: TGFBR1 (transforming growth factor beta receptor 1; plus strand). Cytogenetic location: 9q22.33.
Variant type: Duplication.
Coding change: c.878dup on transcript NM_004612.4 (MANE Select); coding-DNA position 878, one base duplicated (A; older notation c.878dupA).
Protein change: p.Asn293fs; shifts the reading frame from asparagine 293.
Molecular consequence: frameshift variant. On other transcripts: non-coding transcript variant (4), intron variant (2).
Genome position (GRCh38, 1-based): chr9:99,142,608, A duplicated; the last of 3 consecutive A bases (chr9:99,142,606-99,142,608); duplicating any one gives the same sequence. VCF-style (leftmost placement, unchanged base first): chr9-99142605-T-TA. GRCh37 (hg19) VCF-style: chr9-101904887-T-TA.
Other names: c.647dup, p.Asn216fs (NM_001130916.3, NM_001407435.1); c.890dup, p.Asn297fs (NM_001306210.2); c.683dup, p.Asn228fs (NM_001407418.1, NM_001407419.1, NM_001407420.1 and 1 more transcripts); c.671dup, p.Asn224fs (NM_001407423.1, NM_001407424.1, NM_001407425.1 and 8 more transcripts); c.632dup, p.Asn211fs (NM_001407436.1); c.170dup, p.Asn57fs (NM_001407437.1); c.401dup, p.Asn134fs (NM_001407438.1); c.818-2124dup (NM_001407416.1); and 1 more; short protein forms N134fs, N211fs, N216fs, N224fs, N228fs, N293fs, N297fs, N57fs.
Identifiers: ClinVar variation 3386045 (VCV003386045.1).

ClinVar aggregate classification (germline): Uncertain significance (1 of 4 stars; one submission).

Conditions:
Loeys-Dietz syndrome (LDS). Identifiers: Orphanet 60030, MedGen C2697932, MONDO:0018954.

Submission:

All of Us Research Program, National Institutes of Health
Classification: Uncertain significance for Loeys-Dietz syndrome. Last evaluated: 2024-05-30. Review status: criteria provided, single submitter. Criteria: ACMG Guidelines, 2015. Collection method: clinical testing. Allele origin: germline. Inheritance: Autosomal dominant inheritance. Observed: 1 variant allele, 1 heterozygote.
Comment: This variant inserts 1 nucleotide in exon 5 of the TGFBR1 gene, creating a frameshift and premature translation stop signal. This variant is expected to result in an absent or non-functional protein product. To our knowledge, this variant has not been reported in individuals affected with TGFBR1-related disorders in the literature. This variant has not been identified in the general population by the Genome Aggregation Database (gnomAD). Clinical relevance of loss-of-function TGFBR1 truncation variants in autosomal dominant cardiovascular disorders is not clearly established. The available evidence is insufficient to determine the role of this variant in disease conclusively. Therefore, this variant is classified as a Variant of Uncertain Significance.

This study involves interpretation of variants in research participants for the purpose of population health screening. Participant phenotype was not available at the time of variant classification. Additional details can be found in publication PMID: 35346344, PMCID: PMC8962531